The following is an entry in ClinVar:

ClinVar aggregate classification (germline): Uncertain significance (1 of 4 stars; one submission).

Conditions:
Peroxisome biogenesis disorder 9B. Also called: PEX7-Related Refsum Disease; Refsum disease, adult, 2; PEROXISOME BIOGENESIS DISORDER, PEX7-RELATED, ATYPICAL. Identifiers: Orphanet 773, MedGen C2749346, MONDO:0013945, OMIM 614879.

Allele frequency attached by ClinVar (database versions not stated): gnomAD exomes 0.00001 and below 0.00001; ExAC 0.00001.

Submission:

Labcorp Genetics (formerly Invitae), Labcorp
Classification: Uncertain significance for Peroxisome biogenesis disorder 9B. Last evaluated: 2022-04-27. Review status: criteria provided, single submitter. Criteria: Invitae Variant Classification Sherloc (09022015). Collection method: clinical testing. Allele origin: germline.
Comment: This sequence change replaces leucine, which is neutral and non-polar, with valine, which is neutral and non-polar, at codon 148 of the PEX7 protein (p.Leu148Val). This variant is present in population databases (rs752606372, gnomAD 0.007%). This variant has not been reported in the literature in individuals affected with PEX7-related conditions. Algorithms developed to predict the effect of missense changes on protein structure and function are either unavailable or do not agree on the potential impact of this missense change (SIFT: "Deleterious"; PolyPhen-2: "Benign"; Align-GVGD: "Class C15"). In summary, the available evidence is currently insufficient to determine the role of this variant in disease. Therefore, it has been classified as a Variant of Uncertain Significance.

NM_000288.4(PEX7):c.442C>G (p.Leu148Val)

Gene: PEX7 (peroxisomal biogenesis factor 7; plus strand). Cytogenetic location: 6q23.3.
Variant type: single nucleotide variant.
Coding change: c.442C>G on transcript NM_000288.4 (MANE Select); coding-DNA position 442, C replaced by G.
Protein change: p.Leu148Val; replaces leucine 148 with valine.
Molecular consequence: missense variant.
Genome position (GRCh38, 1-based): chr6:136,846,097, C>G. VCF-style: chr6-136846097-C-G. GRCh37 (hg19) VCF-style: chr6-137167235-C-G.
Other names: short protein forms L148V.
Identifiers: ClinVar variation 1353657 (VCV001353657.3), dbSNP rs752606372, ClinGen allele CA4017620.